The following is an entry in ClinVar:

NM_032119.4(ADGRV1):c.18609C>T (p.Ile6203=)

Gene: ADGRV1 (adhesion G protein-coupled receptor V1; plus strand). Cytogenetic location: 5q14.3.
Variant type: single nucleotide variant.
Coding change: c.18609C>T on transcript NM_032119.4 (MANE Select); coding-DNA position 18609, C replaced by T.
Protein change: p.Ile6203=; no amino-acid change (isoleucine 6203 retained).
Molecular consequence: synonymous variant. On other transcripts: non-coding transcript variant (1).
Genome position (GRCh38, 1-based): chr5:91,150,206, C>T. VCF-style: chr5-91150206-C-T. GRCh37 (hg19) VCF-style: chr5-90446023-C-T.
Identifiers: ClinVar variation 1917314 (VCV001917314.3), dbSNP rs537128877, ClinGen allele CA3342694.
Genomic context (GRCh38, chr5:91,150,206, plus strand): 5'-GCCCGGGAGTGGAATGCCTCCTGCTGGAGGGGAAATCAGCAAGTCCACCCAGAATCTCAT[C>T]GGTGCTATGGAGGAGGTGTCTGCCCTTGCCCTTTCATTCTCTGTCTCTCTGTCTCTGTCT-3'
Protein context (NP_115495.3, residues 6193-6213): GEISKSTQNL[Ile6203=]GAMEEVPPDW

ClinVar aggregate classification (germline): Uncertain significance. Review status: criteria provided, multiple submitters, no conflicts (2 of 4 stars). 2 submissions from 2 submitters: Uncertain significance (2). Last evaluated 2024-10-10.

Allele frequency attached by ClinVar (database versions not stated): gnomAD exomes 0.00001.
gnomAD v4.1: 19 of 1,583,454 alleles (0.0012%); highest among the groups gnomAD compares: African/African-American, 0.0041%; no homozygotes.

Submissions (2):

Blueprint Genetics
Classification: Uncertain significance. Last evaluated: 2024-10-10. Review status: criteria provided, single submitter. Criteria: ACMG Guidelines, 2015. Collection method: clinical testing. Allele origin: germline.

Labcorp Genetics (formerly Invitae), Labcorp
Classification: Uncertain significance. Last evaluated: 2022-03-29. Review status: criteria provided, single submitter. Criteria: Invitae Variant Classification Sherloc (09022015). Collection method: clinical testing. Allele origin: germline.
Comment: This sequence change affects codon 6203 of the ADGRV1 mRNA. It is a 'silent' change, meaning that it does not change the encoded amino acid sequence of the ADGRV1 protein. The frequency data for this variant in the population databases is considered unreliable, as metrics indicate poor data quality at this position in the gnomAD database. This variant has not been reported in the literature in individuals affected with ADGRV1-related conditions. Algorithms developed to predict the effect of sequence changes on RNA splicing suggest that this variant may disrupt the consensus splice site. In summary, the available evidence is currently insufficient to determine the role of this variant in disease. Therefore, it has been classified as a Variant of Uncertain Significance.